The following is an entry in ClinVar:

ClinVar aggregate classification (germline): Likely pathogenic (1 of 4 stars; one submission).

Conditions:
Familial thoracic aortic aneurysm and aortic dissection (TAAD). Also called: Thoracic aortic aneurysms and dissections. Identifiers: Orphanet 91387, MedGen C4707243, MONDO:0019625.

gnomAD v4.1: 1 of 1,614,140 alleles (0.000062%); highest among the groups gnomAD compares: East Asian, 0.0022%; no homozygotes.

Submission:

Color Diagnostics, LLC DBA Color Health
Classification: Likely pathogenic for Familial thoracic aortic aneurysm and aortic dissection. Last evaluated: 2025-08-18. Review status: criteria provided, single submitter. Criteria: ACMG Guidelines, 2015. Collection method: clinical testing. Allele origin: germline.
Comment: This missense variant replaces glycine with alanine at codon 1134 of the COL3A1 protein. Computational prediction suggests that this variant may have deleterious impact on protein structure and function. This variant alters one of the highly conserved glycine residues within the Gly-Xaa-Yaa repeats of the triple helix domain (a.a. 168-1196) that are required for the structure and stability of fibrillar collagens (PMID: 7695699, 8218237, 19344236). This variant has not been reported in individuals affected with COL3A1-related disorders in the literature. This variant has not been identified in the general population by the Genome Aggregation Database (gnomAD). Based on the available evidence, this variant is classified as Likely Pathogenic.

Literature cited by the submitters: PubMed 7695699; PubMed 8218237; PubMed 19344236.

NM_000090.4(COL3A1):c.3401G>C (p.Gly1134Ala)

Gene: COL3A1 (collagen type III alpha 1 chain; plus strand). Cytogenetic location: 2q32.2.
Variant type: single nucleotide variant.
Coding change: c.3401G>C on transcript NM_000090.4 (MANE Select); coding-DNA position 3401, G replaced by C.
Protein change: p.Gly1134Ala; replaces glycine 1134 with alanine.
Molecular consequence: missense variant.
Genome position (GRCh38, 1-based): chr2:189,007,922, G>C. VCF-style: chr2-189007922-G-C. GRCh37 (hg19) VCF-style: chr2-189872648-G-C.
Other names: short protein forms G1134A.
Identifiers: ClinVar variation 4756180 (VCV004756180.1).